The following is an entry in ClinVar:

NM_000742.4(CHRNA2):c.485_491del (p.Lys162fs)

Gene: CHRNA2 (cholinergic receptor nicotinic alpha 2 subunit; minus strand). Cytogenetic location: 8p21.2.
Variant type: Deletion.
Coding change: c.485_491del on transcript NM_000742.4 (MANE Select); coding-DNA positions 485 to 491, 7 bases deleted (AGGCCCA; older notation c.485_491delAGGCCCA).
Protein change: p.Lys162fs; shifts the reading frame from lysine 162.
Molecular consequence: frameshift variant. On other transcripts: intron variant (2).
Genome position (GRCh38, 1-based): chr8:27,463,952-27,463,958, TGGGCCT deleted on the plus strand (AGGCCCA on the coding strand, the reverse complement: CHRNA2 is on the minus strand); deleting any 7 consecutive bases within chr8:27,463,952-27,463,961 gives the same sequence; the c. name uses the placement nearest the transcript's 3' end. VCF-style (leftmost placement, unchanged base first): chr8-27463951-GTGGGCCT-G. GRCh37 (hg19) VCF-style: chr8-27321468-GTGGGCCT-G.
Other names: c.440_446del, p.Lys147fs (NM_001282455.2); c.8_14del, p.Lys3fs (NM_001347705.2, NM_001347706.2); c.-12-98_-12-92del (NM_001347708.2); c.-9-101_-9-95del (NM_001347707.2); c.485_491del (NM_000742.3); short protein forms K162fs, K147fs, K3fs.
Identifiers: ClinVar variation 573499 (VCV000573499.8), dbSNP rs1563319139, ClinGen allele CA891842973.

ClinVar aggregate classification (germline): Uncertain significance. Review status: criteria provided, multiple submitters, no conflicts (2 of 4 stars). 2 submissions from 2 submitters: Uncertain significance (2). Last evaluated 2025-02-24.

Conditions:
Familial sleep-related hypermotor epilepsy. Also called: Autosomal Dominant Sleep-Related Hypermotor (Hyperkinetic) Epilepsy. Identifiers: Orphanet 98784, MedGen C3696898, MONDO:0000030.

Submissions (2):

Labcorp Genetics (formerly Invitae), Labcorp
Classification: Uncertain significance. Last evaluated: 2025-02-24. Review status: criteria provided, single submitter. Criteria: Invitae Variant Classification Sherloc (09022015). Collection method: clinical testing. Allele origin: germline.
Comment: This sequence change creates a premature translational stop signal (p.Lys162Thrfs*36) in the CHRNA2 gene. It is expected to result in an absent or disrupted protein product. However, the current clinical and genetic evidence is not sufficient to establish whether loss-of-function variants in CHRNA2 cause disease. This variant is not present in population databases (gnomAD no frequency). This variant has not been reported in the literature in individuals affected with CHRNA2-related conditions. ClinVar contains an entry for this variant (Variation ID: 573499). In summary, the available evidence is currently insufficient to determine the role of this variant in disease. Therefore, it has been classified as a Variant of Uncertain Significance.

GeneDx
Classification: Uncertain significance. Last evaluated: 2024-07-02. Review status: criteria provided, single submitter. Criteria: GeneDx Variant Classification Process June 2021. Collection method: clinical testing. Allele origin: germline. Affected: yes.
Comment: Frameshift variant predicted to result in protein truncation or nonsense mediated decay in a gene or region of a gene for which loss of function is not a well-established mechanism of disease; Not observed at significant frequency in large population cohorts (gnomAD); Has not been previously published as pathogenic or benign to our knowledge